The following is an entry in ClinVar:

ClinVar aggregate classification (germline): Pathogenic (1 of 4 stars; one submission).

Conditions:
Juvenile polyposis/hereditary hemorrhagic telangiectasia syndrome (JPHT). Also called: Juvenile Polyposis Syndrome / Hereditary Hemorrhagic Telangiectasia (JPS/HHT); JP/HHT SYNDROME; JUVENILE POLYPOSIS WITH HEREDITARY HEMORRHAGIC TELANGIECTASIA; POLYPOSIS, GENERALIZED JUVENILE, WITH PULMONARY ARTERIOVENOUS MALFORMATION; TELANGIECTASIA, HEREDITARY HEMORRHAGIC, WITH JUVENILE POLYPOSIS COLI. Identifiers: Orphanet 2929, MedGen C1832942, MONDO:0008278, OMIM 175050.

Submission:

Myriad Genetics, Inc.
Classification: Pathogenic for Juvenile polyposis/hereditary hemorrhagic telangiectasia syndrome. Last evaluated: 2024-02-09. Review status: criteria provided, single submitter. Criteria: Myriad Autosomal Dominant, Autosomal Recessive and X-Linked Classification Criteria (2023). Collection method: clinical testing. Allele origin: unknown.
Comment: This variant is considered pathogenic. This variant creates a frameshift predicted to result in premature protein truncation.

NM_005359.6(SMAD4):c.747dup (p.Gln250fs)

Gene: SMAD4 (SMAD family member 4; plus strand). Cytogenetic location: 18q21.2.
Variant type: Duplication.
Coding change: c.747dup on transcript NM_005359.6 (MANE Select); coding-DNA position 747, one base duplicated (G; older notation c.747dupG).
Protein change: p.Gln250fs; shifts the reading frame from glutamine 250.
Molecular consequence: frameshift variant. On other transcripts: non-coding transcript variant (2).
Genome position (GRCh38, 1-based): chr18:51,058,204, G duplicated. VCF-style (leftmost placement, unchanged base first): chr18-51058203-A-AG. GRCh37 (hg19) VCF-style: chr18-48584573-A-AG.
Other names: c.747dup, p.Gln250fs (NM_001407041.1, NM_001407042.1, NM_001407043.1); short protein forms Q250fs.
Identifiers: ClinVar variation 3148633 (VCV003148633.1), dbSNP rs2511376860, ClinGen allele CA2825002693.
Genomic context (GRCh38, chr18:51,058,203, plus strand): 5'-TGGGGGGCAGCCATAGTGAAGGACTGTTGCAGATAGCATCAGGGCCTCAGCCAGGACAGC[A>AG]GCAGAATGGATTTACTGGTCAGCCAGCTACTTACCATCATAGTATGTACATACTTTAAAA-3'